The following is an entry in ClinVar:

ClinVar aggregate classification (germline): Conflicting classifications of pathogenicity. Review status: criteria provided, conflicting classifications (1 of 4 stars). 3 submissions from 3 submitters: Uncertain significance (1); Likely benign (2). Last evaluated 2025-01-24.

Conditions:
Neurofibromatosis, type 1 (NF1). Also called: NEUROFIBROMATOSIS, TYPE I, SOMATIC; VON RECKLINGHAUSEN DISEASE; Neurofibromatosis, type I; Peripheral type neurofibromatosis. Identifiers: Orphanet 636, MedGen C0027831, MONDO:0018975, OMIM 162200. Disease mechanism: loss of function.
Hereditary cancer-predisposing syndrome. Also called: Neoplastic Syndromes, Hereditary; Tumor predisposition; Hereditary neoplastic syndrome; Hereditary Cancer Syndrome. Identifiers: Orphanet 140162, MedGen C0027672, MeSH D009386, MONDO:0015356.
Cardiovascular phenotype. Identifiers: MedGen CN230736.

gnomAD v4.1: 1 of 1,613,948 alleles (0.000062%); highest among the groups gnomAD compares: Non-Finnish European, 0.000085%; no homozygotes.

Submissions (3):

Ambry Genetics
Classification: Likely benign for Cardiovascular phenotype; Hereditary cancer-predisposing syndrome. Last evaluated: 2025-01-24. Review status: criteria provided, single submitter. Criteria: Ambry Variant Classification Scheme 2023. Collection method: clinical testing. Allele origin: germline.

Quest Diagnostics Nichols Institute San Juan Capistrano
Classification: Uncertain significance. Last evaluated: 2024-09-24. Review status: criteria provided, single submitter. Criteria: Quest Diagnostics criteria. Collection method: clinical testing. Allele origin: unknown.
Comment: The NF1 c.3363A>G (p.Glu1121=) synonymous variant has not been reported in individuals with NF1-related conditions in the published literature. It also has not been reported in large, multi-ethnic general populations (Genome Aggregation Database). Analysis of this variant using software algorithms for the prediction of the effect of nucleotide changes on splicing yielded predictions that this variant does not affect NF1 mRNA splicing. Based on the available information, we are unable to determine the clinical significance of this variant.

Labcorp Genetics (formerly Invitae), Labcorp
Classification: Likely benign for Neurofibromatosis, type 1. Last evaluated: 2024-05-21. Review status: criteria provided, single submitter. Criteria: Invitae Variant Classification Sherloc (09022015). Collection method: clinical testing. Allele origin: germline.

NM_001042492.3(NF1):c.3363A>G (p.Glu1121=)

Gene: NF1 (neurofibromin 1; plus strand). Cytogenetic location: 17q11.2.
Variant type: single nucleotide variant.
Coding change: c.3363A>G on transcript NM_001042492.3 (MANE Select); coding-DNA position 3363, A replaced by G.
Protein change: p.Glu1121=; no amino-acid change (glutamic acid 1121 retained).
Molecular consequence: synonymous variant.
Genome position (GRCh38, 1-based): chr17:31,232,748, A>G. VCF-style: chr17-31232748-A-G. GRCh37 (hg19) VCF-style: chr17-29559766-A-G.
Other names: c.3363A>G, p.Glu1121= (NM_000267.4).
Identifiers: ClinVar variation 1548501 (VCV001548501.10), dbSNP rs2151434555, ClinGen allele CA499232329.
Genomic context (GRCh38, chr17:31,232,748, plus strand): 5'-TTTATTTCTCAGATACTTCACATTATTTATGAACCTTTTGAATGACTGCAGTGAAGTTGA[A>G]GATGAAAGTGCGCAAACAGGTGGCAGGAAACGTGGCATGTCTCGGAGGCTGGCATCACTG-3'
Protein context (NP_001035957.1, residues 1111-1131): MNLLNDCSEV[Glu1121=]DESAQTGGRK